The following is an entry in ClinVar:

ClinVar aggregate classification (germline): Likely benign. Review status: criteria provided, multiple submitters, no conflicts (2 of 4 stars). 3 submissions from 3 submitters: Likely benign (2). 1 of the submissions does not count toward it. Last evaluated 2023-11-09.

Conditions:
Breast-ovarian cancer, familial, susceptibility to, 2 (BROVCA2). Also called: BRCA2 Hereditary Breast and Ovarian Cancer. Identifiers: Orphanet 145, MedGen C2675520, MONDO:0012933, OMIM 612555. Disease mechanism: loss of function.
Hereditary cancer-predisposing syndrome. Also called: Hereditary neoplastic syndrome; Tumor predisposition; Neoplastic Syndromes, Hereditary; Hereditary Cancer Syndrome. Identifiers: Orphanet 140162, MedGen C0027672, MeSH D009386, MONDO:0015356.

Submissions (3):

Ambry Genetics
Classification: Likely benign for Hereditary cancer-predisposing syndrome. Last evaluated: 2023-11-09. Review status: criteria provided, single submitter. Criteria: Ambry Variant Classification Scheme 2023. Collection method: clinical testing. Allele origin: germline.

Color Diagnostics, LLC DBA Color Health
Classification: Likely benign for Hereditary cancer-predisposing syndrome. Last evaluated: 2020-02-03. Review status: criteria provided, single submitter. Criteria: ACMG Guidelines, 2015. Collection method: clinical testing. Allele origin: germline.

Department of Pathology and Laboratory Medicine, Sinai Health System
Classification: Likely benign for Breast-ovarian cancer, familial, susceptibility to, 2. Review status: no assertion criteria provided. Collection method: clinical testing. Allele origin: unknown. Affected: yes. Observed: 1 variant allele. Study: The Canadian Open Genetics Repository (COGR). Not counted in ClinVar's aggregate classification.
Comment: The BRCA2 p.Ser2022Ser variant is not expected to have clinical significance because it does not result in a change of amino acid and is not located in a known consensus splice site; in addition, in silico or computational prediction software programs (SpliceSiteFinder, MaxEntScan, NNSPLICE, GeneSplicer, HumanSpliceFinder) do not predict a difference in splicing. The p.Ser2022Ser variant was not identified in the literature, nor was it identified in the dbSNP, NHLBI Exome Sequencing Project (Exome Variant Server), Exome Aggregation Consortium (ExAC), HGMD, LOVD, COSMIC, ClinVar, GeneInsight VariantWire, BIC or UMD databases. In summary, based on the above information, the clinical significance of this variant cannot be determined with certainty at this time although we would lean towards a more benign role for this variant. This variant is classified as predicted benign.

NM_000059.4(BRCA2):c.6066A>G (p.Ser2022=)

Gene: BRCA2 (BRCA2 DNA repair associated; plus strand). Cytogenetic location: 13q13.1.
Variant type: single nucleotide variant.
Coding change: c.6066A>G on transcript NM_000059.4 (MANE Select); coding-DNA position 6066, A replaced by G.
Protein change: p.Ser2022=; no amino-acid change (serine 2022 retained).
Molecular consequence: synonymous variant.
Genome position (GRCh38, 1-based): chr13:32,340,421, A>G. VCF-style: chr13-32340421-A-G. GRCh37 (hg19) VCF-style: chr13-32914558-A-G.
Identifiers: ClinVar variation 433798 (VCV000433798.5), dbSNP rs1555284519, ClinGen allele CA483439126.